The following is an entry in ClinVar:

ClinVar aggregate classification (germline): Benign/Likely benign. Review status: criteria provided, multiple submitters, no conflicts (2 of 4 stars). 2 submissions from 2 submitters: Benign (1); Likely benign (1). Last evaluated 2026-06-08.

Conditions:
Familial adenomatous polyposis 1 (FAP1). Also called: FAMILIAL ADENOMATOUS POLYPOSIS 1, ATTENUATED; POLYPOSIS, ADENOMATOUS INTESTINAL. Identifiers: MedGen C2713442, MONDO:0021056, OMIM 175100. Disease mechanism: loss of function.
Hereditary cancer-predisposing syndrome. Also called: Tumor predisposition; Hereditary neoplastic syndrome; Neoplastic Syndromes, Hereditary; Hereditary Cancer Syndrome. Identifiers: Orphanet 140162, MedGen C0027672, MeSH D009386, MONDO:0015356.

Submissions (2):

Ambry Genetics
Classification: Likely benign for Hereditary cancer-predisposing syndrome. Last evaluated: 2026-06-08. Review status: criteria provided, single submitter. Criteria: Ambry Variant Classification Scheme 2023. Collection method: clinical testing. Allele origin: germline.

Myriad Genetics, Inc.
Classification: Benign for Familial adenomatous polyposis 1. Last evaluated: 2024-03-01. Review status: criteria provided, single submitter. Criteria: Myriad Autosomal Dominant, Autosomal Recessive and X-Linked Classification Criteria (2023). Collection method: clinical testing. Allele origin: unknown.
Comment: This variant is considered benign. This variant is a silent/synonymous amino acid change and it is not expected to impact splicing.

NM_000038.6(APC):c.1335G>A (p.Gln445=)

Gene: APC (APC regulator of Wnt signaling pathway; plus strand). Cytogenetic location: 5q22.2.
Variant type: single nucleotide variant.
Coding change: c.1335G>A on transcript NM_000038.6 (MANE Select); coding-DNA position 1335, G replaced by A.
Protein change: p.Gln445=; no amino-acid change (glutamine 445 retained).
Molecular consequence: synonymous variant. On other transcripts: non-coding transcript variant (2).
Genome position (GRCh38, 1-based): chr5:112,821,918, G>A. VCF-style: chr5-112821918-G-A. GRCh37 (hg19) VCF-style: chr5-112157615-G-A.
Other names: c.1335G>A, p.Gln445= (NM_001127510.3, NM_001354895.2, NM_001354896.2 and 4 more transcripts); c.1281G>A, p.Gln427= (NM_001127511.3); c.1365G>A, p.Gln455= (NM_001354897.2, NM_001407446.1); c.1260G>A, p.Gln420= (NM_001354898.2, NM_001407451.1); c.1251G>A, p.Gln417= (NM_001354899.2, NM_001407452.1); c.1158G>A, p.Gln386= (NM_001354900.2, NM_001354901.2, NM_001407453.1); c.1062G>A, p.Gln354= (NM_001354902.2); c.1032G>A, p.Gln344= (NM_001354903.2, NM_001407454.1, NM_001407455.1 and 5 more transcripts); and 6 more.
Identifiers: ClinVar variation 3148823 (VCV003148823.2), dbSNP rs1334951365, ClinGen allele CA445755846.